The following is an entry in ClinVar:

NM_007194.4(CHEK2):c.1367C>T (p.Ser456Leu)

Gene: CHEK2 (checkpoint kinase 2; minus strand). Cytogenetic location: 22q12.1.
Variant type: single nucleotide variant.
Coding change: c.1367C>T on transcript NM_007194.4 (MANE Select); coding-DNA position 1367, C replaced by T.
Protein change: p.Ser456Leu; replaces serine 456 with leucine.
Molecular consequence: missense variant.
Genome position (GRCh38, 1-based): chr22:28,695,135, G>A on the plus strand (C>T on the coding strand, the complement: CHEK2 is on the minus strand). VCF-style: chr22-28695135-G-A. GRCh37 (hg19) VCF-style: chr22-29091123-G-A.
Other names: c.1496C>T, p.Ser499Leu (NM_001005735.3); c.704C>T, p.Ser235Leu (NM_001257387.3); c.1166C>T, p.Ser389Leu (NM_001349956.3); c.1280C>T, p.Ser427Leu (NM_145862.3); short protein forms S456L, S499L, S235L, S389L, S427L.
Identifiers: ClinVar variation 232538 (VCV000232538.14), dbSNP rs876659827, ClinGen allele CA10581037.

ClinVar aggregate classification (germline): Uncertain significance. Review status: criteria provided, multiple submitters, no conflicts (2 of 4 stars). 2 submissions from 2 submitters: Uncertain significance (2). Last evaluated 2025-09-19.

Conditions:
Hereditary cancer-predisposing syndrome. Also called: Neoplastic Syndromes, Hereditary; Tumor predisposition; Hereditary Cancer Syndrome; Hereditary neoplastic syndrome. Identifiers: Orphanet 140162, MedGen C0027672, MeSH D009386, MONDO:0015356.
Familial cancer of breast. Also called: BREAST CANCER, FAMILIAL; hereditary breast carcinoma; Hereditary breast cancer. Identifiers: Orphanet 227535, MedGen C0346153, MONDO:0016419, OMIM 114480. Disease mechanism: loss of function.

Allele frequency attached by ClinVar (database versions not stated): TOPMed below 0.00001; gnomAD 0.00001.

Submissions (2):

Labcorp Genetics (formerly Invitae), Labcorp
Classification: Uncertain significance for Familial cancer of breast. Last evaluated: 2025-09-19. Review status: criteria provided, single submitter. Criteria: Invitae Variant Classification Sherloc (09022015). Collection method: clinical testing. Allele origin: germline.
Comment: This sequence change replaces serine, which is neutral and polar, with leucine, which is neutral and non-polar, at codon 456 of the CHEK2 protein (p.Ser456Leu). This variant is not present in population databases (gnomAD no frequency). This variant has not been reported in the literature in individuals affected with CHEK2-related conditions. ClinVar contains an entry for this variant (Variation ID: 232538). An algorithm developed to predict the effect of missense changes on protein structure and function (PolyPhen-2) suggests that this variant is likely to be disruptive. In summary, the available evidence is currently insufficient to determine the role of this variant in disease. Therefore, it has been classified as a Variant of Uncertain Significance.

Ambry Genetics
Classification: Uncertain significance for Hereditary cancer-predisposing syndrome. Last evaluated: 2023-09-22. Review status: criteria provided, single submitter. Criteria: Ambry Variant Classification Scheme 2023. Collection method: clinical testing. Allele origin: germline.
Comment: The p.S456L variant (also known as c.1367C>T), located in coding exon 11 of the CHEK2 gene, results from a C to T substitution at nucleotide position 1367. The serine at codon 456 is replaced by leucine, an amino acid with dissimilar properties. This alteration has been reported in an individual with breast cancer (Germani A et al. J Clin Med, 2020 Sep;9:). This amino acid position is highly conserved in available vertebrate species. In addition, this alteration is predicted to be deleterious by in silico analysis. Since supporting evidence is limited at this time, the clinical significance of this alteration remains unclear.

Literature cited by the submitters: PubMed 32957588 (cited by Ambry Genetics).